The following is an entry in ClinVar:

ClinVar aggregate classification (germline): Uncertain significance. Review status: criteria provided, multiple submitters, no conflicts (2 of 4 stars). 2 submissions from 2 submitters: Uncertain significance (2). Last evaluated 2023-09-13.

Conditions:
Muscular dystrophy-dystroglycanopathy (congenital with impaired intellectual development), type B, 2. Also called: Muscular dystrophy-dystroglycanopathy (congenital with intellectual disability), type B2; MUSCULAR DYSTROPHY, CONGENITAL, POMT2-RELATED. Identifiers: MedGen C3150416, MONDO:0013160, OMIM 613156.
Autosomal recessive limb-girdle muscular dystrophy type 2N. Also called: MUSCULAR DYSTROPHY-DYSTROGLYCANOPATHY, LIMB-GIRDLE, POMT2-RELATED; Muscular dystrophy-dystroglycanopathy (limb-girdle), type C, 2. Identifiers: Orphanet 206559, MedGen C3150418, MONDO:0013162, OMIM 613158.
Muscular dystrophy-dystroglycanopathy (congenital with brain and eye anomalies), type A2. Also called: MUSCULAR DYSTROPHY-DYSTROGLYCANOPATHY (CONGENITAL WITH BRAIN AND EYE ANOMALIES), TYPE A, 2; WALKER-WARBURG SYNDROME OR MUSCLE-EYE-BRAIN DISEASE, POMT2-RELATED. Identifiers: Orphanet 588, Orphanet 899, MedGen C3150411, MONDO:0013154, OMIM 613150.
Inborn genetic diseases. Identifiers: MedGen C0950123, MeSH D030342.

Allele frequency attached by ClinVar (database versions not stated): gnomAD exomes 0.00001; TOPMed below 0.00001.
gnomAD v4.1: 6 of 1,545,992 alleles (0.00039%); highest among the groups gnomAD compares: Admixed American, 0.0039%; no homozygotes.

Submissions (2):

Ambry Genetics
Classification: Uncertain significance for Inborn genetic diseases. Last evaluated: 2023-09-13. Review status: criteria provided, single submitter. Criteria: Ambry Variant Classification Scheme 2023. Collection method: clinical testing. Allele origin: germline.

Labcorp Genetics (formerly Invitae), Labcorp
Classification: Uncertain significance for Muscular dystrophy-dystroglycanopathy (congenital with impaired intellectual development), type B, 2; Muscular dystrophy-dystroglycanopathy (congenital with brain and eye anomalies), type A2; Autosomal recessive limb-girdle muscular dystrophy type 2N. Last evaluated: 2022-08-16. Review status: criteria provided, single submitter. Criteria: Invitae Variant Classification Sherloc (09022015). Collection method: clinical testing. Allele origin: germline.
Comment: This sequence change replaces arginine, which is basic and polar, with histidine, which is basic and polar, at codon 75 of the POMT2 protein (p.Arg75His). The frequency data for this variant in the population databases is considered unreliable, as metrics indicate poor data quality at this position in the gnomAD database. This variant has not been reported in the literature in individuals affected with POMT2-related conditions. ClinVar contains an entry for this variant (Variation ID: 1474585). Algorithms developed to predict the effect of missense changes on protein structure and function (SIFT, PolyPhen-2, Align-GVGD) all suggest that this variant is likely to be tolerated. In summary, the available evidence is currently insufficient to determine the role of this variant in disease. Therefore, it has been classified as a Variant of Uncertain Significance.

NM_013382.7(POMT2):c.224G>A (p.Arg75His)

Gene: POMT2 (protein O-mannosyltransferase 2; minus strand). Cytogenetic location: 14q24.3.
Variant type: single nucleotide variant.
Coding change: c.224G>A on transcript NM_013382.7 (MANE Select); coding-DNA position 224, G replaced by A.
Protein change: p.Arg75His; replaces arginine 75 with histidine.
Molecular consequence: missense variant.
Genome position (GRCh38, 1-based): chr14:77,320,458, C>T on the plus strand (G>A on the coding strand, the complement: POMT2 is on the minus strand). VCF-style: chr14-77320458-C-T. GRCh37 (hg19) VCF-style: chr14-77786801-C-T.
Other names: c.224G>A (NM_013382.5); short protein forms R75H.
Identifiers: ClinVar variation 1474585 (VCV001474585.5), dbSNP rs1200964688, ClinGen allele CA390504332.